The following is an entry in ClinVar:

ClinVar aggregate classification (germline): Uncertain significance (1 of 4 stars; one submission).

Conditions:
Cataract 38. Also called: Cataract, autosomal recessive congenital 5; Cataract 38, autosomal recessive. Identifiers: Orphanet 91492, MedGen C3553494, MONDO:0013859, OMIM 614691.
Sengers syndrome. Also called: MITOCHONDRIAL DNA DEPLETION SYNDROME 10 (CARDIOMYOPATHIC TYPE); Cardiomyopathy and cataract. Identifiers: Orphanet 1369, MedGen C1859317, MONDO:0008922, OMIM 212350.

Allele frequency attached by ClinVar (database versions not stated): TOPMed below 0.00001; gnomAD 0.00007; gnomAD exomes 0.00012; ExAC 0.00014; 1000 Genomes Project 30x 0.00047; 1000 Genomes Project 0.00060.
gnomAD v4.1: 183 of 1,613,698 alleles (0.011%); highest among the groups gnomAD compares: South Asian, 0.19%; 2 homozygotes.

Submission:

Labcorp Genetics (formerly Invitae), Labcorp
Classification: Uncertain significance for Sengers syndrome; Cataract 38. Last evaluated: 2024-08-15. Review status: criteria provided, single submitter. Criteria: Invitae Variant Classification Sherloc (09022015). Collection method: clinical testing. Allele origin: germline.
Comment: This sequence change replaces isoleucine, which is neutral and non-polar, with threonine, which is neutral and polar, at codon 149 of the AGK protein (p.Ile149Thr). This variant is present in population databases (rs560437625, gnomAD 0.1%), including at least one homozygous and/or hemizygous individual. This variant has not been reported in the literature in individuals affected with AGK-related conditions. ClinVar contains an entry for this variant (Variation ID: 2200142). Invitae Evidence Modeling of protein sequence and biophysical properties (such as structural, functional, and spatial information, amino acid conservation, physicochemical variation, residue mobility, and thermodynamic stability) indicates that this missense variant is expected to disrupt AGK protein function with a positive predictive value of 80%. In summary, the available evidence is currently insufficient to determine the role of this variant in disease. Therefore, it has been classified as a Variant of Uncertain Significance.

NM_018238.4(AGK):c.446T>C (p.Ile149Thr)

Gene: AGK (acylglycerol kinase; plus strand). Cytogenetic location: 7q34.
Variant type: single nucleotide variant.
Coding change: c.446T>C on transcript NM_018238.4 (MANE Select); coding-DNA position 446, T replaced by C.
Protein change: p.Ile149Thr; replaces isoleucine 149 with threonine.
Molecular consequence: missense variant.
Genome position (GRCh38, 1-based): chr7:141,615,493, T>C. VCF-style: chr7-141615493-T-C. GRCh37 (hg19) VCF-style: chr7-141315293-T-C.
Other names: c.446T>C, p.Ile149Thr (NM_001364948.3); short protein forms I149T.
Identifiers: ClinVar variation 2200142 (VCV002200142.2), dbSNP rs560437625, ClinGen allele CA4517467.